The following is an entry in ClinVar:

ClinVar aggregate classification (germline): Uncertain significance. Review status: criteria provided, multiple submitters, no conflicts (2 of 4 stars). 2 submissions from 2 submitters: Uncertain significance (2). Last evaluated 2022-12-06.

Conditions:
Cardiovascular phenotype. Identifiers: MedGen CN230736.
Progressive familial heart block type IB (PFHB1B). Identifiers: Orphanet 871, MedGen C1970298, MONDO:0011474, OMIM 604559.

Allele frequency attached by ClinVar (database versions not stated): gnomAD exomes below 0.00001; gnomAD 0.00001; TOPMed 0.00001.
gnomAD v4.1: 6 of 1,613,976 alleles (0.00037%); highest among the groups gnomAD compares: South Asian, 0.0011%; no homozygotes.

Submissions (2):

Ambry Genetics
Classification: Uncertain significance for Cardiovascular phenotype. Last evaluated: 2022-12-06. Review status: criteria provided, single submitter. Criteria: Ambry Variant Classification Scheme 2023. Collection method: clinical testing. Allele origin: germline.

Labcorp Genetics (formerly Invitae), Labcorp
Classification: Uncertain significance for Progressive familial heart block type IB. Last evaluated: 2022-04-12. Review status: criteria provided, single submitter. Criteria: Invitae Variant Classification Sherloc (09022015). Collection method: clinical testing. Allele origin: germline.
Comment: In summary, the available evidence is currently insufficient to determine the role of this variant in disease. Therefore, it has been classified as a Variant of Uncertain Significance. Algorithms developed to predict the effect of missense changes on protein structure and function output the following: SIFT: "Tolerated"; PolyPhen-2: "Benign"; Align-GVGD: "Class C0". The valine amino acid residue is found in multiple mammalian species, which suggests that this missense change does not adversely affect protein function. This variant has not been reported in the literature in individuals affected with TRPM4-related conditions. This variant is not present in population databases (gnomAD no frequency). This sequence change replaces alanine, which is neutral and non-polar, with valine, which is neutral and non-polar, at codon 466 of the TRPM4 protein (p.Ala466Val).

NM_017636.4(TRPM4):c.1397C>T (p.Ala466Val)

Gene: TRPM4 (transient receptor potential cation channel subfamily M member 4; plus strand). Cytogenetic location: 19q13.33.
Variant type: single nucleotide variant.
Coding change: c.1397C>T on transcript NM_017636.4 (MANE Select); coding-DNA position 1397, C replaced by T.
Protein change: p.Ala466Val; replaces alanine 466 with valine.
Molecular consequence: missense variant. On other transcripts: 5 prime UTR variant (1).
Genome position (GRCh38, 1-based): chr19:49,182,711, C>T. VCF-style: chr19-49182711-C-T. GRCh37 (hg19) VCF-style: chr19-49685968-C-T.
Other names: c.1397C>T (NM_017636.3); c.1397C>T, p.Ala466Val (NM_001195227.2); c.1052C>T, p.Ala351Val (NM_001321281.2); c.-157C>T (NM_001321282.2); c.875C>T, p.Ala292Val (NM_001321283.2); c.335C>T, p.Ala112Val (NM_001321285.2); short protein forms A292V, A351V, A466V, A112V.
Identifiers: ClinVar variation 1448366 (VCV001448366.9), dbSNP rs988311676, ClinGen allele CA309442909.